The following is an entry in ClinVar:

ClinVar aggregate classification (germline): Pathogenic. Review status: criteria provided, multiple submitters, no conflicts (2 of 4 stars). 9 submissions from 9 submitters: Pathogenic (7). 2 of the submissions do not count toward it. Last evaluated 2026-10-18.

Conditions:
Microcephaly 5, primary, autosomal recessive (MCPH5). Also called: ASPM Primary Microcephaly. Identifiers: Orphanet 2512, MedGen C1837501, MONDO:0012106, OMIM 608716.

Allele frequency attached by ClinVar (database versions not stated): gnomAD exomes 0.00001 and below 0.00001; TOPMed 0.00002 and 0.00003.
gnomAD v4.1: 14 of 1,612,750 alleles (0.00087%); highest among the groups gnomAD compares: East Asian, 0.0022%; no homozygotes.

Submissions (9):

Cellular and Molecular Research Center, Cellular and Molecular Medicine Research Institute,, Urmia University of Medical Sciences
Classification: Pathogenic for Microcephaly 5, primary, autosomal recessive. Last evaluated: 2026-10-18. Review status: criteria provided, single submitter. Criteria: ACMG Guidelines, 2015. Collection method: clinical testing. Allele origin: germline. Inheritance: Autosomal recessive inheritance. Affected: yes. Observed: 1 variant allele, 1 homozygote.
Comment: The ASPM gene encodes abnormal spindle-like microcephaly-associated protein, which plays an important role in centrosome function, mitotic spindle organization and the division of neural progenitor cells during brain development. At the nucleotide level, c.4795C>T is a single-nucleotide substitution in which cytosine (C), a pyrimidine, is replaced by thymine (T), also a pyrimidine. It is therefore a pyrimidine-to-pyrimidine transition. This is a nonsense variant: the codon changes from CGA (arginine) to TGA (a premature stop codon), replacing arginine at position 1599 with a termination signal.The premature stop is expected to produce a truncated ASPM protein or trigger nonsense-mediated mRNA decay, resulting in loss of normal protein function. Impaired ASPM disrupts neural progenitor cell division and reduces the number of developing neurons, leading to reduced brain growth and congenital microcephaly. The variant has been reported in affected individuals in a recessive disease context and is classified as pathogenic in ClinVar.

Dasa
Classification: Pathogenic. Last evaluated: 2025-01-03. Review status: criteria provided, single submitter. Criteria: DASA Assertion Criteria. Collection method: clinical testing. Allele origin: germline.
Comment: NM_018136.5(ASPM):c.4795C>T (p.Arg1599*) introduces a premature termination codon predicted to result in loss of normal protein function. Loss-of-function is an established mechanism of disease for this gene. This variant has been observed in affected individuals with related phenotype in a genotype context consistent with recessive disease (PMID: 14574646; PMID: 23611254). This variant has been recurrently observed in individuals with related phenotype (PMID: 14574646; PMID: 23611254). The variant is present at low frequency in population datasets. Based on the available data, this variant is classified as pathogenic.

Genome-Nilou Lab
Classification: Pathogenic for Microcephaly 5, primary, autosomal recessive. Last evaluated: 2023-04-11. Review status: criteria provided, single submitter. Criteria: ACMG Guidelines, 2015. Collection method: clinical testing. Allele origin: germline. Affected: no.

Clinical Genetics Laboratory, Skane University Hospital Lund
Classification: Pathogenic. Last evaluated: 2022-05-27. Review status: criteria provided, single submitter. Criteria: ACMG Guidelines, 2015. Collection method: clinical testing. Allele origin: germline. Affected: yes.

Labcorp Genetics (formerly Invitae), Labcorp
Classification: Pathogenic. Last evaluated: 2022-05-13. Review status: criteria provided, single submitter. Criteria: Invitae Variant Classification Sherloc (09022015). Collection method: clinical testing. Allele origin: germline.
Comment: For these reasons, this variant has been classified as Pathogenic. ClinVar contains an entry for this variant (Variation ID: 21588). This premature translational stop signal has been observed in individual(s) with clinical features of ASPM-related conditions (PMID: 14574646). This variant is present in population databases (rs199422165, gnomAD 0.006%). This sequence change creates a premature translational stop signal (p.Arg1599*) in the ASPM gene. It is expected to result in an absent or disrupted protein product. Loss-of-function variants in ASPM are known to be pathogenic (PMID: 19028728, 23611254).

GeneDx
Classification: Pathogenic. Last evaluated: 2018-09-28. Review status: criteria provided, single submitter. Criteria: GeneDx Variant Classification (06012015). Collection method: clinical testing. Allele origin: germline. Affected: yes.
Comment: The R1599X nonsense variant in the ASPM gene has been reported previously as a homozygous pathogenic variant in several families with microcephaly (Bond et al., 2013; Tan et al., 2014). This pathogenic variant is predicted to cause loss of normal protein function either through protein truncation or nonsense-mediated mRNA decay. It is not observed at a significant frequency in large population cohorts (Lek et al., 2016). Therefore, R1599X is interpreted to be a pathogenic variant.

Genetic Services Laboratory, University of Chicago
Classification: Pathogenic for Microcephaly 5, primary, autosomal recessive. Last evaluated: 2013-02-08. Review status: criteria provided, single submitter. Criteria: ACMG Guidelines, 2007. Collection method: clinical testing. Allele origin: germline. Inheritance: Autosomal recessive inheritance. Affected: yes.

GeneReviews
No classification provided. Condition: Microcephaly 5, primary, autosomal recessive. Review status: no classification provided. Collection method: literature only. Allele origin: unknown. Not counted in ClinVar's aggregate classification.

Service de Génétique Moléculaire, Hôpital Robert Debré
Classification: Pathogenic for Microcephaly 5, primary, autosomal recessive. Review status: no assertion criteria provided. Collection method: clinical testing. Allele origin: unknown. Affected: yes. Not counted in ClinVar's aggregate classification.

Literature cited by the submitters: PubMed 38469100 (cited by Cellular and Molecular Research Center, Cellular and Molecular Medicine Research Institute,, Urmia University of Medical Sciences); PubMed 14574646 (cited by Dasa and Labcorp Genetics (formerly Invitae), Labcorp); PubMed 23611254 (cited by Dasa and Labcorp Genetics (formerly Invitae), Labcorp); PubMed 19028728 (cited by Labcorp Genetics (formerly Invitae), Labcorp); PubMed 20301772 (cited by GeneReviews); NCBI Bookshelf NBK9587 (cited by GeneReviews).

NM_018136.5(ASPM):c.4795C>T (p.Arg1599Ter)

Gene: ASPM (assembly factor for spindle microtubules; minus strand). Cytogenetic location: 1q31.3.
Variant type: single nucleotide variant.
Coding change: c.4795C>T on transcript NM_018136.5 (MANE Select); coding-DNA position 4795, C replaced by T.
Protein change: p.Arg1599Ter; replaces arginine 1599 with a stop codon.
Molecular consequence: nonsense. On other transcripts: intron variant (1).
Genome position (GRCh38, 1-based): chr1:197,104,456, G>A on the plus strand (C>T on the coding strand, the complement: ASPM is on the minus strand). VCF-style: chr1-197104456-G-A. GRCh37 (hg19) VCF-style: chr1-197073586-G-A.
Other names: c.4066-8292C>T (NM_001206846.2); short protein forms R1599*.
Identifiers: ClinVar variation 21588 (VCV000021588.16), dbSNP rs199422165, ClinGen allele CA342256.